The following is an entry in ClinVar:

NM_138691.3(TMC1):c.1567-14T>G

Gene: TMC1 (transmembrane channel like 1; plus strand). Cytogenetic location: 9q21.13.
Variant type: single nucleotide variant.
Coding change: c.1567-14T>G on transcript NM_138691.3 (MANE Select); 14 bases into the intron before coding-DNA position 1567, T replaced by G.
Molecular consequence: intron variant.
Genome position (GRCh38, 1-based): chr9:72,805,368, T>G. VCF-style: chr9-72805368-T-G. GRCh37 (hg19) VCF-style: chr9-75420284-T-G.
Identifiers: ClinVar variation 165438 (VCV000165438.11), dbSNP rs727503485, ClinGen allele CA178213.
Genomic context (GRCh38, chr9:72,805,368, plus strand): 5'-GACAGATTTAATACCAACACTAGGACCATTTGAAGACAGAACTGTGTGTTTTAATAGAGA[T>G]AATATCTCAACAGGAGTTTGTGAGGCTGACAGTCTCTGATGTTCTGACCACCTACGTCAC-3'

ClinVar aggregate classification (germline): Conflicting classifications of pathogenicity. Review status: criteria provided, conflicting classifications (1 of 4 stars). 4 submissions from 4 submitters: Likely pathogenic (1); Uncertain significance (2); Likely benign (1). Last evaluated 2023-10-05.

Conditions:
Autosomal dominant nonsyndromic hearing loss 36. Identifiers: Orphanet 90635, MedGen C1847626, MONDO:0011708, OMIM 606705.
Autosomal recessive nonsyndromic hearing loss 7. Also called: DEAFNESS, AUTOSOMAL RECESSIVE 11. Identifiers: Orphanet 90636, MedGen C1832978, MONDO:0010967, OMIM 600974.
TMC1-related disorder. Also called: TMC1-related condition; TMC1-related disorders.

Allele frequency attached by ClinVar (database versions not stated): gnomAD 0.00003 and 0.00004; gnomAD exomes 0.00003 and 0.00004; TOPMed 0.00003; ExAC 0.00004.
gnomAD v4.1: 66 of 1,613,076 alleles (0.0041%); highest among the groups gnomAD compares: Non-Finnish European, 0.0055%; no homozygotes.

Submissions (4):

Labcorp Genetics (formerly Invitae), Labcorp
Classification: Likely benign. Last evaluated: 2023-10-05. Review status: criteria provided, single submitter. Criteria: Invitae Variant Classification Sherloc (09022015). Collection method: clinical testing. Allele origin: germline.

Blueprint Genetics
Classification: Likely pathogenic for TMC1-related disorders. Last evaluated: 2023-04-26. Review status: criteria provided, single submitter. Criteria: ACMG Guidelines, 2015. Collection method: clinical testing. Allele origin: germline. Affected: yes. Observed: 5 variant alleles.

Fulgent Genetics
Classification: Uncertain significance for Autosomal recessive nonsyndromic hearing loss 7; Autosomal dominant nonsyndromic hearing loss 36. Last evaluated: 2018-10-31. Review status: criteria provided, single submitter. Criteria: ACMG Guidelines, 2015. Collection method: clinical testing. Allele origin: unknown.

Laboratory for Molecular Medicine, Mass General Brigham Personalized Medicine
Classification: Uncertain significance. Last evaluated: 2015-05-03. Review status: criteria provided, single submitter. Criteria: LMM Criteria. Collection method: clinical testing. Allele origin: germline. Observed: 2 variant alleles.
Comment: The c.1576-14 T>G variant has also been identified in 5/66740 European chromosomes by the Exom e Aggregation Consortium (ExAC). The variant is located in the 3' splice region. Computational tools do not suggest an impact to splicing; however, this information is not predictive enough to rule out pathog enicity. In summary, the clinical significance of the c.1576-14T>G variant is un certain.